The following is an entry in ClinVar:

NM_002335.4(LRP5):c.1076C>T (p.Thr359Met)

Gene: LRP5 (LDL receptor related protein 5; plus strand). Cytogenetic location: 11q13.2.
Variant type: single nucleotide variant.
Coding change: c.1076C>T on transcript NM_002335.4 (MANE Select); coding-DNA position 1076, C replaced by T.
Protein change: p.Thr359Met; replaces threonine 359 with methionine.
Molecular consequence: missense variant. On other transcripts: 5 prime UTR variant (1).
Genome position (GRCh38, 1-based): chr11:68,386,376, C>T. VCF-style: chr11-68386376-C-T. GRCh37 (hg19) VCF-style: chr11-68153844-C-T.
Other names: c.-690C>T (NM_001291902.2); short protein forms T359M.
Identifiers: ClinVar variation 1391846 (VCV001391846.7), dbSNP rs746292760, ClinGen allele CA6149237.

ClinVar aggregate classification (germline): Uncertain significance. Review status: criteria provided, multiple submitters, no conflicts (2 of 4 stars). 2 submissions from 2 submitters: Uncertain significance (2). Last evaluated 2023-07-14.

Conditions:
Exudative vitreoretinopathy 4 (EVR4). Identifiers: Orphanet 891, MedGen C1866176, MONDO:0011151, OMIM 601813.
Bone mineral density quantitative trait locus 1 (BMND1). Identifiers: MedGen C1866079, OMIM 601884.
Worth disease. Also called: ENDOSTEAL HYPEROSTOSIS, AUTOSOMAL DOMINANT; OSTEOSCLEROSIS, AUTOSOMAL DOMINANT; Autosomal dominant osteosclerosis, Worth type. Identifiers: Orphanet 2790, MedGen C0432273, MONDO:0007764, OMIM 144750.
Exudative vitreoretinopathy 1 (EVR1). Also called: CRISWICK-SCHEPENS SYNDROME; FEVR, AUTOSOMAL DOMINANT; Familial exudative vitreoretinopathy, autosomal dominant. Identifiers: Orphanet 891, Orphanet 90050, MedGen C1851402, MONDO:0007589, OMIM 133780.
Osteoporosis with pseudoglioma (OPPG). Also called: osteoporosis-pseudoglioma syndrome. Identifiers: Orphanet 2788, MedGen C0432252, MONDO:0009820, OMIM 259770.
Polycystic liver disease 4 with or without kidney cysts. Identifiers: MedGen C4693479, MONDO:0044327, OMIM 617875.
Osteoporosis. Identifiers: MedGen C0029456, MONDO:0005298, OMIM 166710, HP:0000939.
Autosomal dominant osteopetrosis 1 (OPTA1). Also called: OSTEOPETROSIS, AUTOSOMAL DOMINANT, TYPE I. Identifiers: Orphanet 2783, MedGen C1843330, MONDO:0011877, OMIM 607634.

Allele frequency attached by ClinVar (database versions not stated): gnomAD exomes 0.00001 and 0.00002; ExAC 0.00002.
gnomAD v4.1: 16 of 1,613,678 alleles (0.00099%); highest among the groups gnomAD compares: African/African-American, 0.0013%; no homozygotes.

Submissions (2):

Labcorp Genetics (formerly Invitae), Labcorp
Classification: Uncertain significance. Last evaluated: 2023-07-14. Review status: criteria provided, single submitter. Criteria: Invitae Variant Classification Sherloc (09022015). Collection method: clinical testing. Allele origin: germline.
Comment: In summary, the available evidence is currently insufficient to determine the role of this variant in disease. Therefore, it has been classified as a Variant of Uncertain Significance. Advanced modeling of protein sequence and biophysical properties (such as structural, functional, and spatial information, amino acid conservation, physicochemical variation, residue mobility, and thermodynamic stability) performed at Invitae indicates that this missense variant is not expected to disrupt LRP5 protein function. ClinVar contains an entry for this variant (Variation ID: 1391846). This variant has not been reported in the literature in individuals affected with LRP5-related conditions. This variant is present in population databases (rs746292760, gnomAD 0.003%). This sequence change replaces threonine, which is neutral and polar, with methionine, which is neutral and non-polar, at codon 359 of the LRP5 protein (p.Thr359Met).

Fulgent Genetics
Classification: Uncertain significance for Exudative vitreoretinopathy 1; Worth disease; Osteoporosis; Osteoporosis with pseudoglioma; Exudative vitreoretinopathy 4; Bone mineral density quantitative trait locus 1; Autosomal dominant osteopetrosis 1; Polycystic liver disease 4 with or without kidney cysts. Last evaluated: 2022-03-28. Review status: criteria provided, single submitter. Criteria: ACMG Guidelines, 2015. Collection method: clinical testing. Allele origin: unknown.